The following is an entry in ClinVar:

ClinVar aggregate classification (germline): Pathogenic (1 of 4 stars; one submission).

Conditions:
Alagille syndrome due to a JAG1 point mutation. Also called: HEPATIC DUCTULAR HYPOPLASIA, SYNDROMATIC; Alagille Syndrome 1; JAG1-Related Alagille Syndrome. Identifiers: Orphanet 261619, Orphanet 52, MedGen C1956125, MONDO:0016862, OMIM 118450.

Submission:

Labcorp Genetics (formerly Invitae), Labcorp
Classification: Pathogenic for Alagille syndrome due to a JAG1 point mutation. Last evaluated: 2021-03-28. Review status: criteria provided, single submitter. Criteria: Invitae Variant Classification Sherloc (09022015). Collection method: clinical testing. Allele origin: germline.
Comment: For these reasons, this variant has been classified as Pathogenic. This variant has not been reported in the literature in individuals with JAG1-related conditions. This sequence change creates a premature translational stop signal (p.Trp876*) in the JAG1 gene. It is expected to result in an absent or disrupted protein product. Loss-of-function variants in JAG1 are known to be pathogenic (PMID: 11180599). This variant is not present in population databases (ExAC no frequency).

Literature cited by the submitters: PubMed 11180599.

NM_000214.3(JAG1):c.2627G>A (p.Trp876Ter)

Gene: JAG1 (jagged canonical Notch ligand 1; minus strand). Cytogenetic location: 20p12.2.
Variant type: single nucleotide variant.
Coding change: c.2627G>A on transcript NM_000214.3 (MANE Select); coding-DNA position 2627, G replaced by A.
Protein change: p.Trp876Ter; replaces tryptophan 876 with a stop codon.
Molecular consequence: nonsense.
Genome position (GRCh38, 1-based): chr20:10,641,838, C>T on the plus strand (G>A on the coding strand, the complement: JAG1 is on the minus strand). VCF-style: chr20-10641838-C-T. GRCh37 (hg19) VCF-style: chr20-10622486-C-T.
Other names: short protein forms W876*.
Identifiers: ClinVar variation 1390182 (VCV001390182.6), dbSNP rs2122597289, ClinGen allele CA408245334.